The following is an entry in ClinVar:

ClinVar aggregate classification (germline): Uncertain significance (1 of 4 stars; one submission).

gnomAD v4.1: 5 of 657,770 alleles (0.00076%); highest among the groups gnomAD compares: Admixed American, 0.0076%; no homozygotes.

Submission:

Women's Health and Genetics/Laboratory Corporation of America, LabCorp
Classification: Uncertain significance. Last evaluated: 2024-06-20. Review status: criteria provided, single submitter. Criteria: LabCorp Variant Classification Summary - May 2015. Collection method: clinical testing. Allele origin: germline.
Comment: Variant summary: PMP22 c.*169T>C is located in the untranslated mRNA region downstream of the termination codon. The variant allele was found at a frequency of 9.5e-06 in 105608 control chromosomes (gnomAD). The available data on variant occurrences in the general population are insufficient to allow any conclusion about variant significance. To our knowledge, no occurrence of c.*169T>C in individuals affected with PMP22-Related Disorders and no experimental evidence demonstrating its impact on protein function have been reported. No submitters have cited clinical-significance assessments for this variant to ClinVar. Based on the evidence outlined above, the variant was classified as uncertain significance.

NM_000304.4(PMP22):c.*169T>C

Gene: PMP22 (peripheral myelin protein 22; minus strand). Cytogenetic location: 17p12.
Variant type: single nucleotide variant.
Coding change: c.*169T>C on transcript NM_000304.4 (MANE Select); 169 bases downstream of the stop codon, T replaced by C.
Molecular consequence: 3 prime UTR variant. On other transcripts: non-coding transcript variant (2).
Genome position (GRCh38, 1-based): chr17:15,230,748, A>G on the plus strand (T>C on the coding strand, the complement: PMP22 is on the minus strand). VCF-style: chr17-15230748-A-G. GRCh37 (hg19) VCF-style: chr17-15134065-A-G.
Other names: c.*169T>C (NM_001281455.2, NM_001281456.2, NM_153321.3 and 1 more transcripts).
Identifiers: ClinVar variation 3339926 (VCV003339926.1).
Genomic context (GRCh38, chr17:15,230,748, plus strand): 5'-GCAAACAATACTATGTACATATATGTAAAAAGTGTTATAAATAGGTTTTATAAACCGGAG[A>G]TATTATATACATCTTCAATCAACAGCAACCCCCACCTCCACTGCTTTCTGTTTGGTTTGG-3'